The following is an entry in ClinVar:

ClinVar aggregate classification (germline): Pathogenic/Likely pathogenic. Review status: criteria provided, multiple submitters, no conflicts (2 of 4 stars). 4 submissions from 4 submitters: Pathogenic (1); Likely pathogenic (3). Last evaluated 2025-12-23.

Conditions:
Hereditary cancer-predisposing syndrome. Also called: Tumor predisposition; Neoplastic Syndromes, Hereditary; Hereditary Cancer Syndrome; Hereditary neoplastic syndrome. Identifiers: Orphanet 140162, MedGen C0027672, MeSH D009386, MONDO:0015356.
Cardiovascular phenotype. Identifiers: MedGen CN230736.
LZTR1-related schwannomatosis. Also called: Schwannomatosis 2; Schwannomatosis-2, susceptibility to. Identifiers: Orphanet 93921, MedGen C3810283, MONDO:0014299, OMIM 615670.

gnomAD v4.1: 6 of 1,608,382 alleles (0.00037%); highest among the groups gnomAD compares: Middle Eastern, 0.016%; no homozygotes.

Submissions (4):

Labcorp Genetics (formerly Invitae), Labcorp
Classification: Pathogenic. Last evaluated: 2025-12-23. Review status: criteria provided, single submitter. Criteria: Invitae Variant Classification Sherloc (09022015). Collection method: clinical testing. Allele origin: germline.
Comment: This sequence change affects a donor splice site in intron 8 of the LZTR1 gene. It is expected to disrupt RNA splicing. Variants that disrupt the donor or acceptor splice site typically lead to a loss of protein function (PMID: 16199547), and loss-of-function variants in LZTR1 are known to be pathogenic (PMID: 24362817, 25335493, 25480913, 25795793, 29469822, 30368668, 30442762, 30442766, 30481304, 30859559). This variant is present in population databases (rs148031742, gnomAD 0.003%). Disruption of this splice site has been observed in individuals with clinical features of LZTR1-related conditions (PMID: 25335493, 28295212; internal data). ClinVar contains an entry for this variant (Variation ID: 1761188). Algorithms developed to predict the effect of sequence changes on RNA splicing suggest that this variant may disrupt the consensus splice site. For these reasons, this variant has been classified as Pathogenic.

GeneDx
Classification: Likely pathogenic. Last evaluated: 2025-09-16. Review status: criteria provided, single submitter. Criteria: GeneDx Variant Classification Process June 2021. Collection method: clinical testing. Allele origin: germline.
Comment: Identified in a patient with multiple cafe-au-lait macules, however additional clinical information was not provided (PMID: 39140257); Canonical splice site variant predicted to result in a null allele in a gene for which loss of function is a known mechanism of disease; Not observed at significant frequency in large population cohorts (gnomAD); This variant is associated with the following publications: (PMID: 24362817, 28295212, 25480913, 29469822, 30859559, 30442766, 30368668, 25795793, 25335493, 30442762, 30481304, 39140257)

Ambry Genetics
Classification: Likely pathogenic for Cardiovascular phenotype; Hereditary cancer-predisposing syndrome. Last evaluated: 2024-12-12. Review status: criteria provided, single submitter. Criteria: Ambry Variant Classification Scheme 2023. Collection method: clinical testing. Allele origin: germline.
Comment: The c.791+1G>T intronic variant results from a G to T substitution one nucleotide after coding exon 8 of the LZTR1 gene. Loss-of-function variants in LZTR1 are related to an increased risk for schwannomas and autosomal recessive Noonan syndrome; however, such associations with autosomal dominant Noonan syndrome have not been observed (Piotrowski A et al. Nat Genet. 2014 Feb;46:182-7; Yamamoto GL et al. J Med Genet. 2015 Jun;52:413-21; Johnston JJ et al. Genet Med. 2018 10;20:1175-1185). In silico splice site analysis predicts that this alteration will weaken the native splice donor site; however, direct evidence is insufficient at this time (Ambry internal data). Alterations that disrupt the canonical splice site are expected to cause aberrant splicing, resulting in an abnormal protein or a transcript that is subject to nonsense-mediated mRNA decay. Based on the supporting evidence, this variant is likely pathogenic for an increased risk of LZTR1-related schwannomatosis (SWN) and would be expected to cause autosomal recessive Noonan syndrome when present along with a second pathogenic or likely pathogenic variant on the other allele; however, the association of this alteration with autosomal dominant Noonan syndrome is unlikely.

Baylor Genetics
Classification: Likely pathogenic for LZTR1-related schwannomatosis. Last evaluated: 2023-10-19. Review status: criteria provided, single submitter. Criteria: ACMG Guidelines, 2015. Collection method: clinical testing. Allele origin: unknown.

Literature cited by the submitters: PubMed 16199547 (cited by Labcorp Genetics (formerly Invitae), Labcorp); PubMed 24362817 (cited by Labcorp Genetics (formerly Invitae), Labcorp); PubMed 25335493 (cited by Labcorp Genetics (formerly Invitae), Labcorp); PubMed 25480913 (cited by Labcorp Genetics (formerly Invitae), Labcorp); PubMed 25795793 (cited by Labcorp Genetics (formerly Invitae), Labcorp); PubMed 29469822 (cited by Labcorp Genetics (formerly Invitae), Labcorp); PubMed 30368668 (cited by Labcorp Genetics (formerly Invitae), Labcorp); PubMed 30442762 (cited by Labcorp Genetics (formerly Invitae), Labcorp); PubMed 30442766 (cited by Labcorp Genetics (formerly Invitae), Labcorp); PubMed 30481304 (cited by Labcorp Genetics (formerly Invitae), Labcorp); PubMed 30859559 (cited by Labcorp Genetics (formerly Invitae), Labcorp); PubMed 28295212 (cited by Labcorp Genetics (formerly Invitae), Labcorp).

NM_006767.4(LZTR1):c.791+1G>T

Gene: LZTR1 (leucine zipper like post translational regulator 1; plus strand). Cytogenetic location: 22q11.21.
Variant type: single nucleotide variant.
Coding change: c.791+1G>T on transcript NM_006767.4 (MANE Select); the canonical splice donor site of the intron after coding-DNA position 791, G replaced by T.
Molecular consequence: splice donor variant.
Genome position (GRCh38, 1-based): chr22:20,990,526, G>T. VCF-style: chr22-20990526-G-T. GRCh37 (hg19) VCF-style: chr22-21344815-G-T.
Identifiers: ClinVar variation 1761188 (VCV001761188.13), dbSNP rs148031742, ClinGen allele CA10118615.